The following is an entry in ClinVar:

ClinVar aggregate classification (germline): Likely benign. Review status: criteria provided, multiple submitters, no conflicts (2 of 4 stars). 6 submissions from 6 submitters: Likely benign (4). 2 of the submissions do not count toward it. Last evaluated 2026-07-06.

Conditions:
Cholestanol storage disease (CTX). Also called: Cerebrotendinous Xanthomatosis; CEREBRAL CHOLESTERINOSIS; CTX: Cerebrotendinous xanthomatosis. Identifiers: Orphanet 909, MedGen C0238052, MONDO:0008948, OMIM 213700.
CYP27A1-related disorder. Also called: CYP27A1-related condition.
Cardiovascular phenotype. Identifiers: MedGen CN230736.

Allele frequency attached by ClinVar (database versions not stated): gnomAD 0.00003; ExAC 0.00005; gnomAD exomes 0.00005; 1000 Genomes Project 0.00020; 1000 Genomes Project 30x 0.00031.
gnomAD v4.1: 83 of 1,614,174 alleles (0.0051%); highest among the groups gnomAD compares: Non-Finnish European, 0.0066%; no homozygotes.

Submissions (6):

PreventionGenetics, part of Exact Sciences
Classification: Likely benign for CYP27A1-related condition. Last evaluated: 2026-07-06. Review status: criteria provided, single submitter. Criteria: ACMG Guidelines, 2015. Collection method: clinical testing. Allele origin: germline.
Comment: This variant is classified as likely benign based on ACMG/AMP sequence variant interpretation guidelines (Richards et al. 2015 PMID: 25741868, with internal and published modifications).

Labcorp Genetics (formerly Invitae), Labcorp
Classification: Likely benign for Cholestanol storage disease. Last evaluated: 2026-01-20. Review status: criteria provided, single submitter. Criteria: Invitae Variant Classification Sherloc (09022015). Collection method: clinical testing. Allele origin: germline.

Blueprint Genetics
Classification: Likely benign. Last evaluated: 2024-09-05. Review status: criteria provided, single submitter. Criteria: ACMG Guidelines, 2015. Collection method: clinical testing. Allele origin: germline.

Ambry Genetics
Classification: Likely benign for Cardiovascular phenotype. Last evaluated: 2022-07-10. Review status: criteria provided, single submitter. Criteria: Ambry Variant Classification Scheme 2023. Collection method: clinical testing. Allele origin: germline.

Clinical Genetics, Academic Medical Center
Classification: Benign. Review status: no assertion criteria provided. Collection method: clinical testing. Allele origin: germline. Affected: yes. Study: VKGL Data-share Consensus. Not counted in ClinVar's aggregate classification.

Laboratory of Diagnostic Genome Analysis, Leiden University Medical Center (LUMC)
Classification: Likely benign. Review status: no assertion criteria provided. Collection method: clinical testing. Allele origin: germline. Affected: yes. Study: VKGL Data-share Consensus. Not counted in ClinVar's aggregate classification.

NM_000784.4(CYP27A1):c.870C>T (p.Leu290=)

Gene: CYP27A1 (cytochrome P450 family 27 subfamily A member 1; plus strand). Cytogenetic location: 2q35.
Variant type: single nucleotide variant.
Coding change: c.870C>T on transcript NM_000784.4 (MANE Select); coding-DNA position 870, C replaced by T.
Protein change: p.Leu290=; no amino-acid change (leucine 290 retained).
Molecular consequence: synonymous variant.
Genome position (GRCh38, 1-based): chr2:218,812,949, C>T. VCF-style: chr2-218812949-C-T. GRCh37 (hg19) VCF-style: chr2-219677672-C-T.
Identifiers: ClinVar variation 1079944 (VCV001079944.15), dbSNP rs202136743, ClinGen allele CA2112750.